The following is an entry in ClinVar:

NM_013296.5(GPSM2):c.1063-19A>G

Gene: GPSM2 (G protein signaling modulator 2; plus strand). Cytogenetic location: 1p13.3.
Variant type: single nucleotide variant.
Coding change: c.1063-19A>G on transcript NM_013296.5 (MANE Select); 19 bases into the intron before coding-DNA position 1063, A replaced by G.
Molecular consequence: intron variant.
Genome position (GRCh38, 1-based): chr1:108,904,106, A>G. VCF-style: chr1-108904106-A-G. GRCh37 (hg19) VCF-style: chr1-109446728-A-G.
Other names: c.1063-19A>G (NM_001321038.2, NM_001321039.3).
Identifiers: ClinVar variation 511118 (VCV000511118.1), dbSNP rs773727753, ClinGen allele CA982962.

ClinVar aggregate classification (germline): Likely benign (1 of 4 stars; one submission).

Allele frequency attached by ClinVar (database versions not stated): gnomAD exomes 0.00001; ExAC 0.00002; TOPMed 0.00003; gnomAD 0.00006.
gnomAD v4.1: 16 of 1,558,584 alleles (0.001%); highest among the groups gnomAD compares: African/African-American, 0.02%; no homozygotes.

Submission:

GeneDx
Classification: Likely benign. Last evaluated: 2017-07-31. Review status: criteria provided, single submitter. Criteria: GeneDx Variant Classification (06012015). Collection method: clinical testing. Allele origin: germline. Affected: yes.
Comment: This variant is considered likely benign or benign based on one or more of the following criteria: it is a conservative change, it occurs at a poorly conserved position in the protein, it is predicted to be benign by multiple in silico algorithms, and/or has population frequency not consistent with disease.